The following is an entry in ClinVar:

ClinVar aggregate classification (germline): Uncertain significance (1 of 4 stars; one submission).

Conditions:
Fumarase deficiency (FMRD). Also called: Fumarate Hydratase Deficiency; Fumaric aciduria. Identifiers: Orphanet 24, MedGen C0342770, MONDO:0011730, OMIM 606812.

Submission:

Illumina Laboratory Services, Illumina
Classification: Uncertain significance for Fumarase deficiency. Last evaluated: 2022-05-19. Review status: criteria provided, single submitter. Criteria: ICSLVariantClassificationCriteria RUGD 01 April 2020. Collection method: clinical testing. Allele origin: unknown.
Comment: The FH c.1517T>G (p.Met506Arg) missense variant results in the substitution of methionine at amino acid position 506 with arginine. To our knowledge, this variant has not been reported in the peer-reviewed literature. This variant is not found in version 2.1.1 or version 3.1.2 of the Genome Aggregation Database. Computational evidence suggests the variant may have a deleterious effect on the gene or gene product. Based on the available evidence, the c.1517T>G (p.Met506Arg) variant is classified as a variant of uncertain significance for fumarate hydratase deficiency.

NM_000143.4(FH):c.1517T>G (p.Met506Arg)

Gene: FH (fumarate hydratase; minus strand). Cytogenetic location: 1q43.
Variant type: single nucleotide variant.
Coding change: c.1517T>G on transcript NM_000143.4 (MANE Select); coding-DNA position 1517, T replaced by G.
Protein change: p.Met506Arg; replaces methionine 506 with arginine.
Molecular consequence: missense variant.
Genome position (GRCh38, 1-based): chr1:241,497,844, A>C on the plus strand (T>G on the coding strand, the complement: FH is on the minus strand). VCF-style: chr1-241497844-A-C. GRCh37 (hg19) VCF-style: chr1-241661144-A-C.
Other names: short protein forms M506R.
Identifiers: ClinVar variation 1803713 (VCV001803713.3), dbSNP rs2527308321, ClinGen allele CA345450031.